The following is an entry in ClinVar:

NM_018417.6(ADCY10):c.497T>A (p.Leu166Gln)

Genes: ADCY10 (adenylate cyclase 10; minus strand), DCAF6 (DDB1 and CUL4 associated factor 6; plus strand). Cytogenetic location: 1q24.2.
Variant type: single nucleotide variant.
Coding change: c.497T>A on transcript NM_018417.6 (MANE Select); coding-DNA position 497, T replaced by A.
Protein change: p.Leu166Gln; replaces leucine 166 with glutamine.
Molecular consequence: missense variant.
Genome position (GRCh38, 1-based): chr1:167,899,568, A>T on the plus strand (T>A on the coding strand, the complement: ADCY10 is on the minus strand). VCF-style: chr1-167899568-A-T. GRCh37 (hg19) VCF-style: chr1-167868806-A-T.
Other names: c.38T>A, p.Leu13Gln (NM_001167749.3); c.221T>A, p.Leu74Gln (NM_001297772.2); short protein forms L166Q, L13Q, L74Q.
Identifiers: ClinVar variation 2128967 (VCV002128967.4), dbSNP rs2526118567, ClinGen allele CA343105778.
Genomic context (GRCh38, chr1:167,899,568, plus strand): 5'-TCATTCATCTGAGCCATGTTCTGGGCAAGGCGCACATCGTCCACTGCCTGACCAATCACC[A>T]GAAAGTGGCTGTGTGTTTCATCTCCAAAGACCAACATGCTGATGTGGCCAGCAGCCAGTC-3'
Protein context (NP_060887.2, residues 156-176): VFGDETHSHF[Leu166Gln]VIGQAVDDVR

ClinVar aggregate classification (germline): Uncertain significance (1 of 4 stars; one submission).

Submission:

Labcorp Genetics (formerly Invitae), Labcorp
Classification: Uncertain significance. Last evaluated: 2022-04-21. Review status: criteria provided, single submitter. Criteria: Invitae Variant Classification Sherloc (09022015). Collection method: clinical testing. Allele origin: germline.
Comment: This variant is not present in population databases (gnomAD no frequency). This variant has not been reported in the literature in individuals affected with ADCY10-related conditions. Algorithms developed to predict the effect of missense changes on protein structure and function are either unavailable or do not agree on the potential impact of this missense change (SIFT: "Deleterious"; PolyPhen-2: "Probably Damaging"; Align-GVGD: "Class C0"). In summary, the available evidence is currently insufficient to determine the role of this variant in disease. Therefore, it has been classified as a Variant of Uncertain Significance. This sequence change replaces leucine, which is neutral and non-polar, with glutamine, which is neutral and polar, at codon 166 of the ADCY10 protein (p.Leu166Gln).